The following is an entry in ClinVar:

ClinVar aggregate classification (germline): Uncertain significance. Review status: criteria provided, multiple submitters, no conflicts (2 of 4 stars). 2 submissions from 2 submitters: Uncertain significance (2). Last evaluated 2024-10-21.

Allele frequency attached by ClinVar (database versions not stated): ExAC 0.00001; gnomAD exomes 0.00002; TOPMed 0.00002.
gnomAD v4.1: 59 of 1,614,072 alleles (0.0037%); highest among the groups gnomAD compares: Non-Finnish European, 0.0045%; no homozygotes.

Submissions (2):

Labcorp Genetics (formerly Invitae), Labcorp
Classification: Uncertain significance. Last evaluated: 2024-10-21. Review status: criteria provided, single submitter. Criteria: Invitae Variant Classification Sherloc (09022015). Collection method: clinical testing. Allele origin: germline.
Comment: This sequence change replaces arginine, which is basic and polar, with histidine, which is basic and polar, at codon 101 of the CNGA3 protein (p.Arg101His). This variant is present in population databases (rs759775948, gnomAD 0.004%). This variant has not been reported in the literature in individuals affected with CNGA3-related conditions. ClinVar contains an entry for this variant (Variation ID: 1044020). An algorithm developed to predict the effect of missense changes on protein structure and function outputs the following: PolyPhen-2: "Benign". The histidine amino acid residue is found in multiple mammalian species, which suggests that this missense change does not adversely affect protein function. In summary, the available evidence is currently insufficient to determine the role of this variant in disease. Therefore, it has been classified as a Variant of Uncertain Significance.

Blueprint Genetics
Classification: Uncertain significance. Last evaluated: 2023-10-09. Review status: criteria provided, single submitter. Criteria: ACMG Guidelines, 2015. Collection method: clinical testing. Allele origin: germline.

NM_001298.3(CNGA3):c.302G>A (p.Arg101His)

Gene: CNGA3 (cyclic nucleotide gated channel subunit alpha 3; plus strand). Cytogenetic location: 2q11.2.
Variant type: single nucleotide variant.
Coding change: c.302G>A on transcript NM_001298.3 (MANE Select); coding-DNA position 302, G replaced by A.
Protein change: p.Arg101His; replaces arginine 101 with histidine.
Molecular consequence: missense variant.
Genome position (GRCh38, 1-based): chr2:98,380,261, G>A. VCF-style: chr2-98380261-G-A. GRCh37 (hg19) VCF-style: chr2-98996724-G-A.
Other names: c.302G>A, p.Arg101His (NM_001079878.2); short protein forms R101H.
Identifiers: ClinVar variation 1044020 (VCV001044020.11), dbSNP rs759775948, ClinGen allele CA1793690.